The following is an entry in ClinVar:

ClinVar aggregate classification (germline): Uncertain significance (1 of 4 stars; one submission).

Conditions:
Hereditary cancer-predisposing syndrome. Also called: Hereditary Cancer Syndrome; Hereditary neoplastic syndrome; Tumor predisposition; Neoplastic Syndromes, Hereditary. Identifiers: Orphanet 140162, MedGen C0027672, MeSH D009386, MONDO:0015356.

Submission:

Ambry Genetics
Classification: Uncertain significance for Hereditary cancer-predisposing syndrome. Last evaluated: 2025-08-08. Review status: criteria provided, single submitter. Criteria: Ambry Variant Classification Scheme 2023. Collection method: clinical testing. Allele origin: germline.
Comment: The p.V797A variant (also known as c.2390T>C), located in coding exon 9 of the MET gene, results from a T to C substitution at nucleotide position 2390. The valine at codon 797 is replaced by alanine, an amino acid with similar properties. This amino acid position is well conserved in available vertebrate species. In addition, the in silico prediction for this alteration is inconclusive. Based on the available evidence, the clinical significance of this variant remains unclear.

NM_000245.4(MET):c.2336T>C (p.Val779Ala)

Gene: MET (MET proto-oncogene, receptor tyrosine kinase; plus strand). Cytogenetic location: 7q31.2.
Variant type: single nucleotide variant.
Coding change: c.2336T>C on transcript NM_000245.4 (MANE Select); coding-DNA position 2336, T replaced by C.
Protein change: p.Val779Ala; replaces valine 779 with alanine.
Molecular consequence: missense variant.
Genome position (GRCh38, 1-based): chr7:116,759,462, T>C. VCF-style: chr7-116759462-T-C. GRCh37 (hg19) VCF-style: chr7-116399516-T-C.
Other names: c.2390T>C, p.Val797Ala (NM_001127500.3); c.2336T>C, p.Val779Ala (NM_001324401.3); c.1046T>C, p.Val349Ala (NM_001324402.2); short protein forms V797A, V349A, V779A.
Identifiers: ClinVar variation 1790561 (VCV001790561.3), dbSNP rs1257647207, ClinGen allele CA368982431.